The following is an entry in ClinVar:

ClinVar aggregate classification (germline): Uncertain significance (1 of 4 stars; one submission).

gnomAD v4.1: 8 of 1,608,746 alleles (0.0005%); highest among the groups gnomAD compares: South Asian, 0.0055%; no homozygotes.

Submission:

Labcorp Genetics (formerly Invitae), Labcorp
Classification: Uncertain significance. Last evaluated: 2025-11-16. Review status: criteria provided, single submitter. Criteria: Invitae Variant Classification Sherloc (09022015). Collection method: clinical testing. Allele origin: germline.
Comment: This sequence change replaces threonine, which is neutral and polar, with serine, which is neutral and polar, at codon 733 of the ADAMTSL4 protein (p.Thr733Ser). This variant is present in population databases (rs771617093, gnomAD 0.01%). This variant has not been reported in the literature in individuals affected with ADAMTSL4-related conditions. Invitae Evidence Modeling of protein sequence and biophysical properties (such as structural, functional, and spatial information, amino acid conservation, physicochemical variation, residue mobility, and thermodynamic stability) indicates that this missense variant is not expected to disrupt ADAMTSL4 protein function with a negative predictive value of 80%. In summary, the available evidence is currently insufficient to determine the role of this variant in disease. Therefore, it has been classified as a Variant of Uncertain Significance.

NM_019032.6(ADAMTSL4):c.2197A>T (p.Thr733Ser)

Gene: ADAMTSL4 (ADAMTS like 4; plus strand). Cytogenetic location: 1q21.2.
Variant type: single nucleotide variant.
Coding change: c.2197A>T on transcript NM_019032.6 (MANE Select); coding-DNA position 2197, A replaced by T.
Protein change: p.Thr733Ser; replaces threonine 733 with serine.
Molecular consequence: missense variant.
Genome position (GRCh38, 1-based): chr1:150,557,964, A>T. VCF-style: chr1-150557964-A-T. GRCh37 (hg19) VCF-style: chr1-150530440-A-T.
Other names: c.2080A>T, p.Thr694Ser (NM_001288607.2); c.2266A>T, p.Thr756Ser (NM_001288608.2); c.2197A>T, p.Thr733Ser (NM_001378596.1, NM_025008.5); short protein forms T694S, T733S, T756S.
Identifiers: ClinVar variation 4699234 (VCV004699234.1).